The following is an entry in ClinVar:

ClinVar aggregate classification (germline): Uncertain significance (1 of 4 stars; one submission).

gnomAD v4.1: 28 of 1,613,922 alleles (0.0017%); highest among the groups gnomAD compares: Middle Eastern, 0.016%; no homozygotes.

Submission:

Labcorp Genetics (formerly Invitae), Labcorp
Classification: Uncertain significance. Last evaluated: 2025-07-14. Review status: criteria provided, single submitter. Criteria: Invitae Variant Classification Sherloc (09022015). Collection method: clinical testing. Allele origin: germline.
Comment: This sequence change replaces tyrosine, which is neutral and polar, with cysteine, which is neutral and slightly polar, at codon 333 of the IARS protein (p.Tyr333Cys). This variant is present in population databases (rs747852034, gnomAD 0.01%). This missense change has been observed in individual(s) with neurodevelopmental disorders (PMID: 28991257). An algorithm developed to predict the effect of missense changes on protein structure and function (PolyPhen-2) suggests that this variant is likely to be disruptive. In summary, the available evidence is currently insufficient to determine the role of this variant in disease. Therefore, it has been classified as a Variant of Uncertain Significance.

Literature cited by the submitters: PubMed 28991257.

NM_002161.6(IARS1):c.998A>G (p.Tyr333Cys)

Gene: IARS1 (isoleucyl-tRNA synthetase 1; minus strand). Cytogenetic location: 9q22.31.
Variant type: single nucleotide variant.
Coding change: c.998A>G on transcript NM_002161.6 (MANE Select); coding-DNA position 998, A replaced by G.
Protein change: p.Tyr333Cys; replaces tyrosine 333 with cysteine.
Molecular consequence: missense variant. On other transcripts: non-coding transcript variant (1).
Genome position (GRCh38, 1-based): chr9:92,271,648, T>C on the plus strand (A>G on the coding strand, the complement: IARS1 is on the minus strand). VCF-style: chr9-92271648-T-C. GRCh37 (hg19) VCF-style: chr9-95033930-T-C.
Other names: c.998A>G, p.Tyr333Cys (NM_001374299.1, NM_001374300.1, NM_001374301.1 and 14 more transcripts); c.1061A>G, p.Tyr354Cys (NM_001378569.1); c.1019A>G, p.Tyr340Cys (NM_001378571.1); c.875A>G, p.Tyr292Cys (NM_001378583.1); short protein forms Y340C, Y333C, Y354C, Y292C.
Identifiers: ClinVar variation 4737599 (VCV004737599.1).